The following is an entry in ClinVar:

NM_001100.4(ACTA1):c.1010G>A (p.Arg337His)

Gene: ACTA1 (actin alpha 1, skeletal muscle; minus strand). Cytogenetic location: 1q42.13.
Variant type: single nucleotide variant.
Coding change: c.1010G>A on transcript NM_001100.4 (MANE Select); coding-DNA position 1010, G replaced by A.
Protein change: p.Arg337His; replaces arginine 337 with histidine.
Molecular consequence: missense variant.
Genome position (GRCh38, 1-based): chr1:229,431,623, C>T on the plus strand (G>A on the coding strand, the complement: ACTA1 is on the minus strand). VCF-style: chr1-229431623-C-T. GRCh37 (hg19) VCF-style: chr1-229567370-C-T.
Other names: short protein forms R337H.
Identifiers: ClinVar variation 2062106 (VCV002062106.4), dbSNP rs201493638, ClinGen allele CA38814755.

ClinVar aggregate classification (germline): Uncertain significance (1 of 4 stars; one submission).

Conditions:
Actin accumulation myopathy (CMYO2A). Also called: CONGENITAL MYOPATHY 2A, TYPICAL, AUTOSOMAL DOMINANT; Myopathy, actin, congenital, with cores; Nemaline myopathy 3, with intranuclear rods; Nemaline myopathy type 3; Myopathy, actin, congenital, with excess of thin myofilaments. Identifiers: Orphanet 98904, MedGen C3711389, MONDO:0008070, OMIM 161800.

Allele frequency attached by ClinVar (database versions not stated): TOPMed below 0.00001; gnomAD exomes below 0.00001; gnomAD 0.00001.
gnomAD v4.1: 2 of 1,613,972 alleles (0.00012%); highest among the groups gnomAD compares: South Asian, 0.0011%; no homozygotes.

Submission:

Labcorp Genetics (formerly Invitae), Labcorp
Classification: Uncertain significance for Actin accumulation myopathy. Last evaluated: 2022-05-23. Review status: criteria provided, single submitter. Criteria: Invitae Variant Classification Sherloc (09022015). Collection method: clinical testing. Allele origin: germline.
Comment: This variant has not been reported in the literature in individuals affected with ACTA1-related conditions. In summary, the available evidence is currently insufficient to determine the role of this variant in disease. Therefore, it has been classified as a Variant of Uncertain Significance. Advanced modeling of protein sequence and biophysical properties (such as structural, functional, and spatial information, amino acid conservation, physicochemical variation, residue mobility, and thermodynamic stability) performed at Invitae indicates that this missense variant is expected to disrupt ACTA1 protein function. This variant is present in population databases (rs201493638, gnomAD 0.003%). This sequence change replaces arginine, which is basic and polar, with histidine, which is basic and polar, at codon 337 of the ACTA1 protein (p.Arg337His).